The following is an entry in ClinVar:

NM_032043.3(BRIP1):c.2811T>G (p.Asp937Glu)

Gene: BRIP1 (BRCA1 interacting DNA helicase 1; minus strand). Cytogenetic location: 17q23.2.
Variant type: single nucleotide variant.
Coding change: c.2811T>G on transcript NM_032043.3 (MANE Select); coding-DNA position 2811, T replaced by G.
Protein change: p.Asp937Glu; replaces aspartic acid 937 with glutamic acid.
Molecular consequence: missense variant.
Genome position (GRCh38, 1-based): chr17:61,685,930, A>C on the plus strand (T>G on the coding strand, the complement: BRIP1 is on the minus strand). VCF-style: chr17-61685930-A-C. GRCh37 (hg19) VCF-style: chr17-59763291-A-C.
Other names: c.2811T>G (NM_032043.2); short protein forms D937E.
Identifiers: ClinVar variation 1018428 (VCV001018428.10), dbSNP rs374335608, ClinGen allele CA400481482.

ClinVar aggregate classification (germline): Uncertain significance. Review status: criteria provided, multiple submitters, no conflicts (2 of 4 stars). 2 submissions from 2 submitters: Uncertain significance (2). Last evaluated 2025-05-23.

Conditions:
Hereditary cancer-predisposing syndrome. Also called: Tumor predisposition; Hereditary Cancer Syndrome; Neoplastic Syndromes, Hereditary; Hereditary neoplastic syndrome. Identifiers: Orphanet 140162, MedGen C0027672, MeSH D009386, MONDO:0015356.
Familial cancer of breast. Also called: hereditary breast carcinoma; BREAST CANCER, FAMILIAL; Hereditary breast cancer. Identifiers: Orphanet 227535, MedGen C0346153, MONDO:0016419, OMIM 114480. Disease mechanism: loss of function.
Fanconi anemia complementation group J. Also called: BRIP1-Related Fanconi Anemia. Identifiers: Orphanet 84, MedGen C1836860, MONDO:0012187, OMIM 609054.

Submissions (2):

Ambry Genetics
Classification: Uncertain significance for Hereditary cancer-predisposing syndrome. Last evaluated: 2025-05-23. Review status: criteria provided, single submitter. Criteria: Ambry Variant Classification Scheme 2023. Collection method: clinical testing. Allele origin: germline.
Comment: The p.D937E variant (also known as c.2811T>G), located in coding exon 18 of the BRIP1 gene, results from a T to G substitution at nucleotide position 2811. The aspartic acid at codon 937 is replaced by glutamic acid, an amino acid with highly similar properties. This amino acid position is conserved. In addition, this alteration is predicted to be tolerated by in silico analysis. Based on the available evidence, the clinical significance of this variant remains unclear.

Labcorp Genetics (formerly Invitae), Labcorp
Classification: Uncertain significance for Familial cancer of breast; Fanconi anemia complementation group J. Last evaluated: 2024-03-09. Review status: criteria provided, single submitter. Criteria: Invitae Variant Classification Sherloc (09022015). Collection method: clinical testing. Allele origin: germline.
Comment: This sequence change replaces aspartic acid, which is acidic and polar, with glutamic acid, which is acidic and polar, at codon 937 of the BRIP1 protein (p.Asp937Glu). This variant is not present in population databases (gnomAD no frequency). This variant has not been reported in the literature in individuals affected with BRIP1-related conditions. ClinVar contains an entry for this variant (Variation ID: 1018428). Advanced modeling of protein sequence and biophysical properties (such as structural, functional, and spatial information, amino acid conservation, physicochemical variation, residue mobility, and thermodynamic stability) performed at Invitae indicates that this missense variant is not expected to disrupt BRIP1 protein function with a negative predictive value of 80%. In summary, the available evidence is currently insufficient to determine the role of this variant in disease. Therefore, it has been classified as a Variant of Uncertain Significance.